The following is an entry in ClinVar:

ClinVar aggregate classification (germline): Likely benign (1 of 4 stars; one submission).

gnomAD v4.1: 1 of 1,612,742 alleles (0.000062%); highest among the groups gnomAD compares: Non-Finnish European, 0.000085%; no homozygotes.

Submission:

CeGaT Center for Human Genetics Tuebingen
Classification: Likely benign. Last evaluated: 2024-11-01. Review status: criteria provided, single submitter. Criteria: CeGaT Center For Human Genetics Tuebingen Variant Classification Criteria Version 2. Collection method: clinical testing. Allele origin: germline. Affected: yes. Observed: 1 variant allele.
Comment: NEMF: BP4, BP7

NM_004713.6(NEMF):c.348C>T (p.Leu116=)

Gene: NEMF (nuclear export mediator factor; minus strand). Cytogenetic location: 14q21.3.
Variant type: single nucleotide variant.
Coding change: c.348C>T on transcript NM_004713.6 (MANE Select); coding-DNA position 348, C replaced by T.
Protein change: p.Leu116=; no amino-acid change (leucine 116 retained).
Molecular consequence: synonymous variant.
Genome position (GRCh38, 1-based): chr14:49,846,149, G>A on the plus strand (C>T on the coding strand, the complement: NEMF is on the minus strand). VCF-style: chr14-49846149-G-A. GRCh37 (hg19) VCF-style: chr14-50312867-G-A.
Other names: c.348C>T, p.Leu116= (NM_001301732.3).
Identifiers: ClinVar variation 3389031 (VCV003389031.14).
Genomic context (GRCh38, chr14:49,846,149, plus strand): 5'-AAATGATTAATAAGAAATTTTCCTTCACCATATCCCACAAATTTAACTTACCCTATCATA[G>A]AGCTCAATGATTAAATGGTAAGCAGCTTCATCACTTCCAAATTGAAAATCTACAATTCTA-3'
Protein context (NP_004704.3, residues 106-126): DEAAYHLIIE[Leu116=]YDRGNIVLTD